The following is an entry in ClinVar:

ClinVar aggregate classification (germline): Pathogenic/Likely pathogenic. Review status: criteria provided, multiple submitters, no conflicts (2 of 4 stars). 3 submissions from 3 submitters: Pathogenic (1); Likely pathogenic (1). 1 of the submissions does not count toward it. Last evaluated 2019-01-21.

Conditions:
West syndrome. Also called: Infantile epileptic spasms syndrome. Identifiers: Orphanet 3451, Orphanet 697160, MedGen C0037769, MONDO:0018097. Disease mechanism: loss of function.
Developmental and epileptic encephalopathy, 11 (DEE11). Also called: Early infantile epileptic encephalopathy 11. Identifiers: Orphanet 1934, MedGen C3150987, MONDO:0013388, OMIM 613721.

Submissions (4):

Institute of Human Genetics, University of Leipzig Medical Center
Classification: Pathogenic for Developmental and epileptic encephalopathy, 11. Last evaluated: 2019-01-21. Review status: criteria provided, single submitter. Criteria: ACMG Guidelines, 2015. Collection method: clinical testing. Allele origin: de novo. Affected: yes. Observed: 1 variant allele.
Comment: This variant was identified as de novo (maternity and paternity confirmed).

GeneDx
Classification: Likely pathogenic. Last evaluated: 2012-09-11. Review status: criteria provided, single submitter. Criteria: GeneDx Variant Classification (06012015). Collection method: clinical testing. Allele origin: germline. Affected: yes.
Comment: p.Leu1342Pro (CTG>CCG):c.4025 T>C in exon 22 of the SCN2A gene (NM_021007.2). The Leu1342Pro missense change has not been published as a mutation, nor has it been reported as a benign polymorphism to our knowledge. The NHLBI ESP Exome Variant Project has not identified Leu1342Pro in approximately 6,500 individuals of European or African American ethnicity, indicating that it is not a common benign variant in these populations. Although Leucine and Proline are both uncharged, non-polar amino acids, the gain of a bulky Proline residue could alter the secondary structure of the protein. Leu1342Pro alters a highly conserved position in the S5 segment of the third transmembrane domain, and multiple in silico algorithms predict it is damaging to protein structure/function. Therefore, based on the currently available information, Leu1342Pro is a strong candidate for a disease-causing mutation, although the possibility that it is a benign variant cannot be excluded. The variant is found in INFANT-EPI panel(s).

Neurology Department, Shenzhen Children's Hospital
Classification: Pathogenic. Last evaluated: 2022-02-16. Review status: no assertion criteria provided. Collection method: clinical testing. Allele origin: de novo. Affected: yes. Not counted in ClinVar's aggregate classification.

Channelopathy-Associated Epilepsy Research Center
No classification provided (evidence only). Condition: Complex neurodevelopmental disorder. Review status: no classification provided. Collection method: literature only. Allele origin: not applicable. Functional consequence: Severe hyperpolarizing shift of voltage dependence of fast inactivation, Severe hyperpolarizing shift of voltage dependence of activation, Slowing of recovery from fast inactivation, Normal slope of activation, Normal slope of fast inactivation, Normal peak current, Effect on use dependence, Overall mixed or unclear functional effect not able to be clearly categorized as Gain- or Loss-of-Function. Not counted in ClinVar's aggregate classification.
ClinVar note: "not provided" was previously submitted as the classification for the variant. However, the classification appeared to be based only on an observation of functional data so it was converted to no classification on 2025-07-30.

Literature cited by the submitters: PubMed 30813884 (cited by Channelopathy-Associated Epilepsy Research Center).

NM_001040142.2(SCN2A):c.4025T>C (p.Leu1342Pro)

Gene: SCN2A (sodium voltage-gated channel alpha subunit 2; plus strand). Cytogenetic location: 2q24.3.
Variant type: single nucleotide variant.
Coding change: c.4025T>C on transcript NM_001040142.2 (MANE Select); coding-DNA position 4025, T replaced by C.
Protein change: p.Leu1342Pro; replaces leucine 1342 with proline.
Molecular consequence: missense variant.
Genome position (GRCh38, 1-based): chr2:165,374,737, T>C. VCF-style: chr2-165374737-T-C. GRCh37 (hg19) VCF-style: chr2-166231247-T-C.
Other names: p.L1342P:CTG>CCG; c.4025T>C, p.Leu1342Pro (NM_001040143.2, NM_001371246.1, NM_001371247.1 and 1 more transcripts); short protein forms L1342P.
Identifiers: ClinVar variation 206996 (VCV000206996.9), dbSNP rs796053134, ClinGen allele CA317954.